The following is an entry in ClinVar:

ClinVar aggregate classification (germline): Uncertain significance (1 of 4 stars; one submission).

Conditions:
Tall stature-scoliosis-macrodactyly of the great toes syndrome. Also called: Epiphyseal chondrodysplasia, miura type. Identifiers: Orphanet 329191, MedGen C4014690, MONDO:0014401, OMIM 615923.
Acromesomelic dysplasia 1, Maroteaux type (AMD1). Also called: ST. HELENA DYSPLASIA; ACROMESOMELIC DYSPLASIA 1. Identifiers: Orphanet 40, MedGen C1864356, MONDO:0011275, OMIM 602875.

Allele frequency attached by ClinVar (database versions not stated): gnomAD 0.00001; gnomAD exomes 0.00001 and 0.00002; TOPMed 0.00001.
gnomAD v4.1: 33 of 1,613,940 alleles (0.002%); highest among the groups gnomAD compares: South Asian, 0.0033%; no homozygotes.

Submission:

Labcorp Genetics (formerly Invitae), Labcorp
Classification: Uncertain significance for Tall stature-scoliosis-macrodactyly of the great toes syndrome; Acromesomelic dysplasia 1, Maroteaux type. Last evaluated: 2023-12-06. Review status: criteria provided, single submitter. Criteria: Invitae Variant Classification Sherloc (09022015). Collection method: clinical testing. Allele origin: germline.
Comment: This sequence change replaces arginine, which is basic and polar, with histidine, which is basic and polar, at codon 493 of the NPR2 protein (p.Arg493His). This variant is present in population databases (rs762074063, gnomAD 0.002%). This variant has not been reported in the literature in individuals affected with NPR2-related conditions. ClinVar contains an entry for this variant (Variation ID: 1442880). Advanced modeling of protein sequence and biophysical properties (such as structural, functional, and spatial information, amino acid conservation, physicochemical variation, residue mobility, and thermodynamic stability) performed at Invitae indicates that this missense variant is not expected to disrupt NPR2 protein function with a negative predictive value of 80%. In summary, the available evidence is currently insufficient to determine the role of this variant in disease. Therefore, it has been classified as a Variant of Uncertain Significance.

NM_003995.4(NPR2):c.1478G>A (p.Arg493His)

Gene: NPR2 (natriuretic peptide receptor 2; plus strand). Cytogenetic location: 9p13.3.
Variant type: single nucleotide variant.
Coding change: c.1478G>A on transcript NM_003995.4 (MANE Select); coding-DNA position 1478, G replaced by A.
Protein change: p.Arg493His; replaces arginine 493 with histidine.
Molecular consequence: missense variant.
Genome position (GRCh38, 1-based): chr9:35,801,684, G>A. VCF-style: chr9-35801684-G-A. GRCh37 (hg19) VCF-style: chr9-35801681-G-A.
Other names: c.1487G>A, p.Arg496His (NM_001378923.1); short protein forms R496H, R493H.
Identifiers: ClinVar variation 1442880 (VCV001442880.8), dbSNP rs762074063, ClinGen allele CA192767980.
Genomic context (GRCh38, chr9:35,801,684, plus strand): 5'-AGGTGTGCAGTCCTTACAGAAAGCTGATGCTGGAGAAGGAGCTGGCTAGCATGTTGTGGC[G>A]TATTCGCTGGGAAGAACTGCAGTTTGGCAACTCAGAGCGTTATCACAAAGGTGCAGGCAG-3'
Protein context (NP_003986.2, residues 483-503): LEKELASMLW[Arg493His]IRWEELQFGN